The following is an entry in ClinVar:

ClinVar aggregate classification (germline): Uncertain significance. Review status: criteria provided, multiple submitters, no conflicts (2 of 4 stars). 2 submissions from 2 submitters: Uncertain significance (2). Last evaluated 2024-04-24.

Conditions:
Hereditary cancer-predisposing syndrome. Also called: Tumor predisposition; Neoplastic Syndromes, Hereditary; Hereditary Cancer Syndrome; Hereditary neoplastic syndrome. Identifiers: Orphanet 140162, MedGen C0027672, MeSH D009386, MONDO:0015356.
Hereditary diffuse gastric adenocarcinoma (HDGC). Also called: DIFFUSE GASTRIC AND LOBULAR BREAST CANCER SYNDROME. Identifiers: Orphanet 26106, MedGen C1708349, MONDO:0007648, OMIM 137215.

Submissions (2):

Labcorp Genetics (formerly Invitae), Labcorp
Classification: Uncertain significance for Hereditary diffuse gastric adenocarcinoma. Last evaluated: 2024-04-24. Review status: criteria provided, single submitter. Criteria: Invitae Variant Classification Sherloc (09022015). Collection method: clinical testing. Allele origin: germline.
Comment: This sequence change replaces serine, which is neutral and polar, with isoleucine, which is neutral and non-polar, at codon 162 of the CDH1 protein (p.Ser162Ile). This variant is not present in population databases (gnomAD no frequency). This variant has not been reported in the literature in individuals affected with CDH1-related conditions. ClinVar contains an entry for this variant (Variation ID: 628392). An algorithm developed to predict the effect of missense changes on protein structure and function (PolyPhen-2) suggests that this variant is likely to be tolerated. In summary, the available evidence is currently insufficient to determine the role of this variant in disease. Therefore, it has been classified as a Variant of Uncertain Significance.

Color Diagnostics, LLC DBA Color Health
Classification: Uncertain significance for Hereditary cancer-predisposing syndrome. Last evaluated: 2023-12-04. Review status: criteria provided, single submitter. Criteria: ACMG Guidelines, 2015. Collection method: clinical testing. Allele origin: germline.
Comment: This missense variant replaces serine with isoleucine at codon 162 of the CDH1 protein. To our knowledge, functional studies have not been reported for this variant. This variant has not been reported in individuals affected with CDH1-related disorders in the literature. This variant has not been identified in the general population by the Genome Aggregation Database (gnomAD). The available evidence is insufficient to determine the role of this variant in disease conclusively. Therefore, this variant is classified as a Variant of Uncertain Significance.

NM_004360.5(CDH1):c.485G>T (p.Ser162Ile)

Gene: CDH1 (cadherin 1; plus strand). Cytogenetic location: 16q22.1.
Variant type: single nucleotide variant.
Coding change: c.485G>T on transcript NM_004360.5 (MANE Select); coding-DNA position 485, G replaced by T.
Protein change: p.Ser162Ile; replaces serine 162 with isoleucine.
Molecular consequence: missense variant. On other transcripts: 5 prime UTR variant (2).
Genome position (GRCh38, 1-based): chr16:68,808,521, G>T. VCF-style: chr16-68808521-G-T. GRCh37 (hg19) VCF-style: chr16-68842424-G-T.
Other names: c.485G>T, p.Ser162Ile (NM_001317184.2); c.-1131G>T (NM_001317185.2); c.-1335G>T (NM_001317186.2); short protein forms S162I.
Identifiers: ClinVar variation 628392 (VCV000628392.10), dbSNP rs1567504603, ClinGen allele CA396457721.